The following is an entry in ClinVar:

NM_015631.6(TCTN3):c.1008C>T (p.Ile336=)

Gene: TCTN3 (tectonic family member 3; minus strand). Cytogenetic location: 10q24.1.
Variant type: single nucleotide variant.
Coding change: c.1008C>T on transcript NM_015631.6 (MANE Select); coding-DNA position 1008, C replaced by T.
Protein change: p.Ile336=; no amino-acid change (isoleucine 336 retained).
Molecular consequence: synonymous variant. On other transcripts: intron variant (1).
Genome position (GRCh38, 1-based): chr10:95,684,586, G>A on the plus strand (C>T on the coding strand, the complement: TCTN3 is on the minus strand). VCF-style: chr10-95684586-G-A. GRCh37 (hg19) VCF-style: chr10-97444343-G-A.
Other names: c.1008C>T (NM_015631.5); c.652-957C>T (NM_001143973.2).
Identifiers: ClinVar variation 1454037 (VCV001454037.14), dbSNP rs747888353, ClinGen allele CA5620983.

ClinVar aggregate classification (germline): Likely benign. Review status: criteria provided, multiple submitters, no conflicts (2 of 4 stars). 4 submissions from 4 submitters: Likely benign (3). 1 of the submissions does not count toward it. Last evaluated 2026-01-01.

Conditions:
TCTN3-related disorder. Also called: TCTN3-related condition.
Orofacial-digital syndrome IV (OFD4). Also called: Orofaciodigital syndrome IV; BARAITSER-BURN SYNDROME; MOHR-MAJEWSKI SYNDROME; OFD SYNDROME WITH TIBIAL DEFECTS; OFD SYNDROME, BARAITSER-BURN TYPE; OFDS IV. Identifiers: Orphanet 2753, MedGen C0406727, MONDO:0009794, OMIM 258860.
Joubert syndrome 18 (JBTS18). Identifiers: Orphanet 2754, MedGen C3553758, MONDO:0013896, OMIM 614815.

gnomAD v4.1: 45 of 1,613,876 alleles (0.0028%); highest among the groups gnomAD compares: South Asian, 0.023%; no homozygotes.

Submissions (4):

CeGaT Center for Human Genetics Tuebingen
Classification: Likely benign. Last evaluated: 2026-01-01. Review status: criteria provided, single submitter. Criteria: CeGaT Center For Human Genetics Tuebingen Variant Classification Criteria Version 2. Collection method: clinical testing. Allele origin: germline. Affected: yes. Observed: 1 variant allele.
Comment: TCTN3: BP4, BP7

Labcorp Genetics (formerly Invitae), Labcorp
Classification: Likely benign for Joubert syndrome 18; Orofacial-digital syndrome IV. Last evaluated: 2025-11-03. Review status: criteria provided, single submitter. Criteria: Invitae Variant Classification Sherloc (09022015). Collection method: clinical testing. Allele origin: germline.

Blueprint Genetics
Classification: Likely benign. Last evaluated: 2022-07-08. Review status: criteria provided, single submitter. Criteria: ACMG Guidelines, 2015. Collection method: clinical testing. Allele origin: germline.

PreventionGenetics, part of Exact Sciences
Classification: Likely benign for TCTN3-related condition. Last evaluated: 2019-08-07. Review status: no assertion criteria provided. Collection method: clinical testing. Allele origin: germline. Not counted in ClinVar's aggregate classification.
Comment: This variant is classified as likely benign based on ACMG/AMP sequence variant interpretation guidelines (Richards et al. 2015 PMID: 25741868, with internal and published modifications).